The following is an entry in ClinVar:

ClinVar aggregate classification (germline): Uncertain significance (1 of 4 stars; one submission).

Conditions:
History of neurodevelopmental disorder. Identifiers: MedGen C2711754.

Submission:

Ambry Genetics
Classification: Uncertain significance for History of neurodevelopmental disorder. Last evaluated: 2013-12-12. Review status: criteria provided, single submitter. Criteria: Ambry Autosomal Dominant and X-Linked criteria (10/2015). Collection method: clinical testing. Allele origin: germline. Observed: 1 variant allele.
Comment: The p.G1771R variant (also known as c.5311G>C), located in coding exon 21 of the ATRX gene, results from a G to C substitution at nucleotide position 5311. The glycine at codon 1771 is replaced by arginine, an amino acid with dissimilar properties. This variant co-segregated with disease in one family tested in our laboratory. This variant was observed in two brothers affected with symptoms consistent with alpha thalassemia and intellectual disability. This variant was not reported in population based cohorts in the following databases: Database of Single Nucleotide Polymorphisms (dbSNP), NHLBI Exome Sequencing Project (ESP), and 1000 Genomes Project. Based on protein sequence alignment, this amino acid position is completely conserved in all available species. In addition, this alteration is predicted to be deleterious by in silico analysis. Since supporting evidence for this variant is limited at this time, its clinical significance is unclear.

NM_000489.6(ATRX):c.5311G>C (p.Gly1771Arg)

Gene: ATRX (ATRX chromatin remodeler; minus strand). Cytogenetic location: Xq21.1.
Variant type: single nucleotide variant.
Coding change: c.5311G>C on transcript NM_000489.6 (MANE Select); coding-DNA position 5311, G replaced by C.
Protein change: p.Gly1771Arg; replaces glycine 1771 with arginine.
Molecular consequence: missense variant.
Genome position (GRCh38, 1-based): chrX:77,618,943, C>G on the plus strand (G>C on the coding strand, the complement: ATRX is on the minus strand). VCF-style: chrX-77618943-C-G. GRCh37 (hg19) VCF-style: chrX-76874411-C-G.
Other names: c.5197G>C, p.Gly1733Arg (NM_138270.5); short protein forms G1771R, G1733R.
Identifiers: ClinVar variation 590228 (VCV000590228.3), dbSNP rs1569531574, ClinGen allele CA413701033.
Genomic context (GRCh38, chrX:77,618,943, plus strand): 5'-CTGCACACTGACCATTTTGAATTGGATTTATAAATCTATTCCTGAACTCCTTAATGGATC[C>G]AAGTAAATTTTCCTTGATAAAATTAACCATACAATGATCTAAGAGAGAAGACATTATTCA-3'
Protein context (NP_000480.3, residues 1761-1781): MVNFIKENLL[Gly1771Arg]SIKEFRNRFI